The following is an entry in ClinVar:

NM_001002294.3(FMO3):c.674_690del (p.Trp225fs)

Gene: FMO3 (flavin containing dimethylaniline monoxygenase 3; plus strand). Cytogenetic location: 1q24.3.
Variant type: Deletion.
Coding change: c.674_690del on transcript NM_001002294.3 (MANE Select); coding-DNA positions 674 to 690, 17 bases deleted (GGGACAATGGTTATCCT).
Protein change: p.Trp225fs; shifts the reading frame from tryptophan 225.
Molecular consequence: frameshift variant.
Genome position (GRCh38, 1-based): chr1:171,110,844-171,110,860, GGGACAATGGTTATCCT deleted; deleting any 17 consecutive bases within chr1:171,110,842-171,110,860 gives the same sequence; the c. name uses the placement nearest the transcript's 3' end. VCF-style (leftmost placement, unchanged base first): chr1-171110841-TCTGGGACAATGGTTATC-T. GRCh37 (hg19) VCF-style: chr1-171079982-TCTGGGACAATGGTTATC-T.
Other names: c.614_630del, p.Trp205fs (NM_001319173.2); c.485_501del, p.Trp162fs (NM_001319174.2); c.674_690del, p.Trp225fs (NM_006894.6); short protein forms W162fs, W225fs, W205fs.
Identifiers: ClinVar variation 2700823 (VCV002700823.3), dbSNP rs2526340934, ClinGen allele CA2697554672.
Genomic context (GRCh38, chr1:171,110,841, plus strand): 5'-AATTGGTGTTTTTTAAGGTCATGATCAGTTCCAGAAGTGGCTCCTGGGTGATGAGCCGGG[TCTGGGACAATGGTTATC>T]CTTGGGACATGCTGCTCGTCACTCGATTTGGAACCTTCCTCAAGAACAATTTACCGACAG-3'

ClinVar aggregate classification (germline): Pathogenic (1 of 4 stars; one submission).

Submission:

Labcorp Genetics (formerly Invitae), Labcorp
Classification: Pathogenic. Last evaluated: 2023-12-04. Review status: criteria provided, single submitter. Criteria: Invitae Variant Classification Sherloc (09022015). Collection method: clinical testing. Allele origin: germline.
Comment: This sequence change creates a premature translational stop signal (p.Trp225Leufs*23) in the FMO3 gene. It is expected to result in an absent or disrupted protein product. Loss-of-function variants in FMO3 are known to be pathogenic (PMID: 20301282). This variant is not present in population databases (gnomAD no frequency). This variant has not been reported in the literature in individuals affected with FMO3-related conditions. For these reasons, this variant has been classified as Pathogenic.

Literature cited by the submitters: PubMed 20301282.